The following is an entry in ClinVar:

ClinVar aggregate classification (germline): Uncertain significance. Review status: criteria provided, multiple submitters, no conflicts (2 of 4 stars). 2 submissions from 2 submitters: Uncertain significance (2). Last evaluated 2025-04-29.

Conditions:
Familial thoracic aortic aneurysm and aortic dissection (TAAD). Also called: Thoracic aortic aneurysms and dissections. Identifiers: Orphanet 91387, MedGen C4707243, MONDO:0019625.

gnomAD v4.1: 1 of 1,613,744 alleles (0.000062%); highest among the groups gnomAD compares: Non-Finnish European, 0.000085%; no homozygotes.

Submissions (2):

GeneDx
Classification: Uncertain significance. Last evaluated: 2025-04-29. Review status: criteria provided, single submitter. Criteria: GeneDx Variant Classification Process June 2021. Collection method: clinical testing. Allele origin: germline. Affected: yes.
Comment: Not observed at significant frequency in large population cohorts (gnomAD); In silico analysis supports that this missense variant has a deleterious effect on protein structure/function; Has not been previously published as pathogenic or benign to our knowledge

Labcorp Genetics (formerly Invitae), Labcorp
Classification: Uncertain significance for Familial thoracic aortic aneurysm and aortic dissection. Last evaluated: 2020-10-08. Review status: criteria provided, single submitter. Criteria: Invitae Variant Classification Sherloc (09022015). Collection method: clinical testing. Allele origin: germline.
Comment: In summary, the available evidence is currently insufficient to determine the role of this variant in disease. Therefore, it has been classified as a Variant of Uncertain Significance. Algorithms developed to predict the effect of missense changes on protein structure and function (SIFT, PolyPhen-2, Align-GVGD) all suggest that this variant is likely to be disruptive, but these predictions have not been confirmed by published functional studies and their clinical significance is uncertain. This variant has not been reported in the literature in individuals with TGFBR1-related conditions. This variant is not present in population databases (ExAC no frequency). This sequence change replaces alanine with serine at codon 380 of the TGFBR1 protein (p.Ala380Ser). The alanine residue is highly conserved and there is a moderate physicochemical difference between alanine and serine.

NM_004612.4(TGFBR1):c.1138G>T (p.Ala380Ser)

Gene: TGFBR1 (transforming growth factor beta receptor 1; plus strand). Cytogenetic location: 9q22.33.
Variant type: single nucleotide variant.
Coding change: c.1138G>T on transcript NM_004612.4 (MANE Select); coding-DNA position 1138, G replaced by T.
Protein change: p.Ala380Ser; replaces alanine 380 with serine.
Molecular consequence: missense variant.
Genome position (GRCh38, 1-based): chr9:99,146,492, G>T. VCF-style: chr9-99146492-G-T. GRCh37 (hg19) VCF-style: chr9-101908774-G-T.
Other names: c.1138G>T (NM_004612.2); c.907G>T, p.Ala303Ser (NM_001130916.3); c.1150G>T, p.Ala384Ser (NM_001306210.2); short protein forms A303S, A380S, A384S.
Identifiers: ClinVar variation 1060269 (VCV001060269.10), dbSNP rs746666082, ClinGen allele CA196894127.
Genomic context (GRCh38, chr9:99,146,492, plus strand): 5'-AATATGGCAGTAAGGGGATGATTTTCAAAGTTCTTTTTGCAAATTTTTTTTAGGTACATG[G>T]CCCCTGAAGTTCTCGATGATTCCATAAATATGAAACATTTTGAATCCTTCAAACGTGCTG-3'
Protein context (NP_004603.1, residues 370-390): NHRVGTKRYM[Ala380Ser]PEVLDDSINM